The following is an entry in ClinVar:

NM_006904.7(PRKDC):c.2030C>T (p.Ala677Val)

Gene: PRKDC (protein kinase, DNA-activated, catalytic subunit; minus strand). Cytogenetic location: 8q11.21.
Variant type: single nucleotide variant.
Coding change: c.2030C>T on transcript NM_006904.7 (MANE Select); coding-DNA position 2030, C replaced by T.
Protein change: p.Ala677Val; replaces alanine 677 with valine.
Molecular consequence: missense variant.
Genome position (GRCh38, 1-based): chr8:47,929,875, G>A on the plus strand (C>T on the coding strand, the complement: PRKDC is on the minus strand). VCF-style: chr8-47929875-G-A. GRCh37 (hg19) VCF-style: chr8-48842435-G-A.
Other names: c.2030C>T, p.Ala677Val (NM_001081640.2); short protein forms A677V.
Identifiers: ClinVar variation 2096750 (VCV002096750.4), dbSNP rs2551878600, ClinGen allele CA371164119.

ClinVar aggregate classification (germline): Uncertain significance (1 of 4 stars; one submission).

Conditions:
Severe combined immunodeficiency due to DNA-PKcs deficiency. Also called: Immunodeficiency 26 with or without neurologic abnormalities; IMMUNODEFICIENCY 26 WITH NEUROLOGIC ABNORMALITIES. Identifiers: Orphanet 317425, MedGen C4014833, MONDO:0014423, OMIM 615966.

Submission:

Labcorp Genetics (formerly Invitae), Labcorp
Classification: Uncertain significance for Severe combined immunodeficiency due to DNA-PKcs deficiency. Last evaluated: 2022-07-12. Review status: criteria provided, single submitter. Criteria: Invitae Variant Classification Sherloc (09022015). Collection method: clinical testing. Allele origin: germline.
Comment: This sequence change replaces alanine, which is neutral and non-polar, with valine, which is neutral and non-polar, at codon 677 of the PRKDC protein (p.Ala677Val). This variant is not present in population databases (gnomAD no frequency). This variant has not been reported in the literature in individuals affected with PRKDC-related conditions. Experimental studies and prediction algorithms are not available or were not evaluated, and the functional significance of this variant is currently unknown. In summary, the available evidence is currently insufficient to determine the role of this variant in disease. Therefore, it has been classified as a Variant of Uncertain Significance.